The following is an entry in ClinVar:

ClinVar aggregate classification (germline): Uncertain significance. Review status: criteria provided, multiple submitters, no conflicts (2 of 4 stars). 2 submissions from 2 submitters: Uncertain significance (2). Last evaluated 2026-02-09.

Conditions:
Retinoblastoma (RB1). Also called: RETINOBLASTOMA, SOMATIC. Identifiers: Orphanet 790, MedGen C0035335, MeSH D012175, MONDO:0008380, OMIM 180200, HP:0009919. Disease mechanism: loss of function. Inheritance: Both sporadic and heritable forms are tested..
Hereditary cancer-predisposing syndrome. Also called: Tumor predisposition; Hereditary Cancer Syndrome; Hereditary neoplastic syndrome; Neoplastic Syndromes, Hereditary. Identifiers: Orphanet 140162, MedGen C0027672, MeSH D009386, MONDO:0015356.

Submissions (2):

Ambry Genetics
Classification: Uncertain significance for Hereditary cancer-predisposing syndrome. Last evaluated: 2026-02-09. Review status: criteria provided, single submitter. Criteria: Ambry Variant Classification Scheme 2023. Collection method: clinical testing. Allele origin: germline.
Comment: The p.M457V variant (also known as c.1369A>G), located in coding exon 14 of the RB1 gene, results from an A to G substitution at nucleotide position 1369. The methionine at codon 457 is replaced by valine, an amino acid with highly similar properties. This amino acid position is highly conserved in available vertebrate species. In addition, this alteration is predicted to be deleterious by in silico analysis. Based on the available evidence, the clinical significance of this variant remains unclear.

Labcorp Genetics (formerly Invitae), Labcorp
Classification: Uncertain significance for Retinoblastoma. Last evaluated: 2024-04-16. Review status: criteria provided, single submitter. Criteria: Invitae Variant Classification Sherloc (09022015). Collection method: clinical testing. Allele origin: germline.
Comment: This sequence change replaces methionine, which is neutral and non-polar, with valine, which is neutral and non-polar, at codon 457 of the RB1 protein (p.Met457Val). This variant is not present in population databases (gnomAD no frequency). This variant has not been reported in the literature in individuals affected with RB1-related conditions. Advanced modeling of protein sequence and biophysical properties (such as structural, functional, and spatial information, amino acid conservation, physicochemical variation, residue mobility, and thermodynamic stability) performed at Invitae indicates that this missense variant is not expected to disrupt RB1 protein function with a negative predictive value of 80%. In summary, the available evidence is currently insufficient to determine the role of this variant in disease. Therefore, it has been classified as a Variant of Uncertain Significance.

NM_000321.3(RB1):c.1369A>G (p.Met457Val)

Gene: RB1 (RB transcriptional corepressor 1; plus strand). Cytogenetic location: 13q14.2.
Variant type: single nucleotide variant.
Coding change: c.1369A>G on transcript NM_000321.3 (MANE Select); coding-DNA position 1369, A replaced by G.
Protein change: p.Met457Val; replaces methionine 457 with valine.
Molecular consequence: missense variant.
Genome position (GRCh38, 1-based): chr13:48,379,630, A>G. VCF-style: chr13-48379630-A-G. GRCh37 (hg19) VCF-style: chr13-48953766-A-G.
Other names: c.1369A>G, p.Met457Val (NM_001407165.1, NM_001407166.1); short protein forms M457V.
Identifiers: ClinVar variation 2771873 (VCV002771873.4), dbSNP rs2138140981, ClinGen allele CA388162605.
Genomic context (GRCh38, chr13:48,379,630, plus strand): 5'-ATTTTTCTTTTTGTTTGTTTGTAGCGATACAAACTTGGAGTTCGCTTGTATTACCGAGTA[A>G]TGGAATCCATGCTTAAATCAGTAAGTTAAAAACAATATAAAAAAATTTCAGCCGGGCGCG-3'
Protein context (NP_000312.2, residues 447-467): KLGVRLYYRV[Met457Val]ESMLKSEEER